The following is an entry in ClinVar:

ClinVar aggregate classification (germline): Uncertain significance (1 of 4 stars; one submission).

Submission:

GeneDx
Classification: Uncertain significance. Last evaluated: 2024-07-03. Review status: criteria provided, single submitter. Criteria: GeneDx Variant Classification Process June 2021. Collection method: clinical testing. Allele origin: germline. Affected: yes.
Comment: Not observed at significant frequency in large population cohorts (gnomAD); Missense variant in a gene in which most reported pathogenic variants are truncating/loss of function; Has not been previously published as pathogenic or benign to our knowledge

NM_001267550.2(TTN):c.88738G>A (p.Val29580Met)

Genes: TTN (titin; minus strand), TTN-AS1 (TTN antisense RNA 1; plus strand). Cytogenetic location: 2q31.2.
Variant type: single nucleotide variant.
Coding change: c.88738G>A on transcript NM_001267550.2 (MANE Select); coding-DNA position 88738, G replaced by A.
Protein change: p.Val29580Met; replaces valine 29580 with methionine.
Molecular consequence: missense variant.
Genome position (GRCh38, 1-based): chr2:178,554,609, C>T on the plus strand (G>A on the coding strand, the complement: TTN is on the minus strand). VCF-style: chr2-178554609-C-T. GRCh37 (hg19) VCF-style: chr2-179419336-C-T.
Other names: c.83815G>A, p.Val27939Met (NM_001256850.1); c.61543G>A, p.Val20515Met (NM_003319.4); c.81034G>A, p.Val27012Met (NM_133378.4); c.61918G>A, p.Val20640Met (NM_133432.3); c.62119G>A, p.Val20707Met (NM_133437.4); short protein forms V20515M, V20640M, V20707M, V27012M, V27939M, V29580M.
Identifiers: ClinVar variation 3393771 (VCV003393771.1).
Genomic context (GRCh38, chr2:178,554,609, plus strand): 5'-TGATAATTTTGGTGGTTGTAATGATGCACTCTTCCAAATGTTCAGACACCATAGACCACA[C>T]AACGCGGCTTGTCTCACGCTTTTCCACAATGTAGTGAGTGATTTTTGCACCACCATCATC-3'
Protein context (NP_001254479.2, residues 29570-29590): IVEKRETSRV[Val29580Met]WSMVSEHLEE